The following is an entry in ClinVar:

NM_001099922.3(ALG13):c.2853G>T (p.Glu951Asp)

Gene: ALG13 (ALG13 UDP-N-acetylglucosaminyltransferase subunit; plus strand). Cytogenetic location: Xq23.
Variant type: single nucleotide variant.
Coding change: c.2853G>T on transcript NM_001099922.3 (MANE Select); coding-DNA position 2853, G replaced by T.
Protein change: p.Glu951Asp; replaces glutamic acid 951 with aspartic acid.
Molecular consequence: missense variant. On other transcripts: intron variant (5).
Genome position (GRCh38, 1-based): chrX:111,744,825, G>T. VCF-style: chrX-111744825-G-T. GRCh37 (hg19) VCF-style: chrX-110988053-G-T.
Other names: c.2619G>T, p.Glu873Asp (NM_001257231.2); c.2383+7946G>T (NM_001257237.2, NM_001257234.2, NM_001257230.2); c.2209+7946G>T (NM_001324293.1); c.2695+7946G>T (NM_001324292.2); short protein forms E873D, E951D.
Identifiers: ClinVar variation 939379 (VCV000939379.9), dbSNP rs755910935, ClinGen allele CA10493992.
Genomic context (GRCh38, chrX:111,744,825, plus strand): 5'-ACCACCTCCTCCTCCTCCTCCTCCTCCTCCTCCTCCTCCTCCTGCTCTTGATGTGGGAGA[G>T]ACTTCAAACTTACAACCACCACCACCACTACCACCTCCACCTTATTCCTGTGATCCAAGC-3'
Protein context (NP_001093392.1, residues 941-961): PPPPPALDVG[Glu951Asp]TSNLQPPPPL

ClinVar aggregate classification (germline): Uncertain significance. Review status: criteria provided, multiple submitters, no conflicts (2 of 4 stars). 2 submissions from 2 submitters: Uncertain significance (2). Last evaluated 2026-01-26.

Conditions:
Developmental and epileptic encephalopathy, 36 (DEE36). Also called: Congenital disorder of glycosylation, type Is; Epileptic encephalopathy, early infantile, 36; ALG13-CDG. Identifiers: Orphanet 324422, MedGen C4317295, MONDO:0010472, OMIM 300884.

Allele frequency attached by ClinVar (database versions not stated): ExAC below 0.00001; gnomAD 0.00001; gnomAD exomes 0.00003.
gnomAD v4.1: 37 of 1,183,808 alleles (0.0031%); highest among the groups gnomAD compares: Non-Finnish European, 0.0042%; no homozygotes.

Submissions (2):

Labcorp Genetics (formerly Invitae), Labcorp
Classification: Uncertain significance for Developmental and epileptic encephalopathy, 36. Last evaluated: 2026-01-26. Review status: criteria provided, single submitter. Criteria: Invitae Variant Classification Sherloc (09022015). Collection method: clinical testing. Allele origin: germline.
Comment: This sequence change replaces glutamic acid, which is acidic and polar, with aspartic acid, which is acidic and polar, at codon 951 of the ALG13 protein (p.Glu951Asp). This variant is not present in population databases (gnomAD no frequency). This variant has not been reported in the literature in individuals affected with ALG13-related conditions. ClinVar contains an entry for this variant (Variation ID: 939379). Invitae Evidence Modeling of protein sequence and biophysical properties (such as structural, functional, and spatial information, amino acid conservation, physicochemical variation, residue mobility, and thermodynamic stability) indicates that this missense variant is not expected to disrupt ALG13 protein function with a negative predictive value of 95%. In summary, the available evidence is currently insufficient to determine the role of this variant in disease. Therefore, it has been classified as a Variant of Uncertain Significance.

GeneDx
Classification: Uncertain significance. Last evaluated: 2020-07-09. Review status: criteria provided, single submitter. Criteria: GeneDx Variant Classification Process June 2021. Collection method: clinical testing. Allele origin: germline. Affected: yes.
Comment: Has not been previously published as pathogenic or benign to our knowledge; In silico analysis supports that this missense variant does not alter protein structure/function